The following is an entry in ClinVar:

NM_003482.4(KMT2D):c.15495C>T (p.Ile5165=)

Gene: KMT2D (lysine methyltransferase 2D; minus strand). Cytogenetic location: 12q13.12.
Variant type: single nucleotide variant.
Coding change: c.15495C>T on transcript NM_003482.4 (MANE Select); coding-DNA position 15495, C replaced by T.
Protein change: p.Ile5165=; no amino-acid change (isoleucine 5165 retained).
Molecular consequence: synonymous variant.
Genome position (GRCh38, 1-based): chr12:49,026,471, G>A on the plus strand (C>T on the coding strand, the complement: KMT2D is on the minus strand). VCF-style: chr12-49026471-G-A. GRCh37 (hg19) VCF-style: chr12-49420254-G-A.
Identifiers: ClinVar variation 739673 (VCV000739673.31), dbSNP rs371422928, ClinGen allele CA6545555.

ClinVar aggregate classification (germline): Likely benign. Review status: criteria provided, multiple submitters, no conflicts (2 of 4 stars). 4 submissions from 4 submitters: Likely benign (4). Last evaluated 2025-11-26.

Conditions:
KMT2D-related disorder. Also called: KMT2D-Related Disorders.
Kabuki syndrome. Also called: Kabuki make-up syndrome; NIIKAWA-KUROKI SYNDROME. Identifiers: Orphanet 2322, MedGen C0796004, MONDO:0016512.

Allele frequency attached by ClinVar (database versions not stated): TOPMed 0.00002; ExAC 0.00006; ESP Exome Variant Server 0.00008.
gnomAD v4.1: 59 of 1,613,782 alleles (0.0037%); highest among the groups gnomAD compares: South Asian, 0.0066%; no homozygotes.

Submissions (4):

Women's Health and Genetics/Laboratory Corporation of America, LabCorp
Classification: Likely benign. Last evaluated: 2025-11-26. Review status: criteria provided, single submitter. Criteria: LabCorp Variant Classification Summary - May 2015. Collection method: clinical testing. Allele origin: germline.

PreventionGenetics, part of Exact Sciences
Classification: Likely benign for KMT2D-related condition. Last evaluated: 2024-10-14. Review status: criteria provided, single submitter. Criteria: ACMG Guidelines, 2015. Collection method: clinical testing. Allele origin: germline.
Comment: This variant is classified as likely benign based on ACMG/AMP sequence variant interpretation guidelines (Richards et al. 2015 PMID: 25741868, with internal and published modifications).

Labcorp Genetics (formerly Invitae), Labcorp
Classification: Likely benign for Kabuki syndrome. Last evaluated: 2023-05-13. Review status: criteria provided, single submitter. Criteria: Invitae Variant Classification Sherloc (09022015). Collection method: clinical testing. Allele origin: germline.

CeGaT Center for Human Genetics Tuebingen
Classification: Likely benign. Last evaluated: 2022-05-01. Review status: criteria provided, single submitter. Criteria: CeGaT Center For Human Genetics Tuebingen Variant Classification Criteria Version 2. Collection method: clinical testing. Allele origin: germline. Affected: yes. Observed: 1 variant allele.
Comment: KMT2D: BP4, BP7